The following is an entry in ClinVar:

NM_002250.3(KCNN4):c.1039G>A (p.Ala347Thr)

Gene: KCNN4 (potassium calcium-activated channel subfamily N member 4; minus strand). Cytogenetic location: 19q13.31.
Variant type: single nucleotide variant.
Coding change: c.1039G>A on transcript NM_002250.3 (MANE Select); coding-DNA position 1039, G replaced by A.
Protein change: p.Ala347Thr; replaces alanine 347 with threonine.
Molecular consequence: missense variant.
Genome position (GRCh38, 1-based): chr19:43,769,452, C>T on the plus strand (G>A on the coding strand, the complement: KCNN4 is on the minus strand). VCF-style: chr19-43769452-C-T. GRCh37 (hg19) VCF-style: chr19-44273604-C-T.
Other names: short protein forms A347T.
Identifiers: ClinVar variation 3049273 (VCV003049273.2), dbSNP rs775470701, ClinGen allele CA9491831.

ClinVar aggregate classification (germline): Uncertain significance (0 of 4 stars; one submission).

Conditions:
KCNN4-related disorder. Also called: KCNN4-related condition.

Allele frequency attached by ClinVar (database versions not stated): gnomAD exomes below 0.00001; ExAC 0.00001.
gnomAD v4.1: 5 of 1,613,852 alleles (0.00031%); highest among the groups gnomAD compares: Non-Finnish European, 0.00042%; no homozygotes.

Submission:

PreventionGenetics, part of Exact Sciences
Classification: Uncertain significance for KCNN4-related condition. Last evaluated: 2023-12-20. Review status: no assertion criteria provided. Collection method: clinical testing. Allele origin: germline.
Comment: The KCNN4 c.1039G>A variant is predicted to result in the amino acid substitution p.Ala347Thr. To our knowledge, this variant has not been reported in the literature. This variant is reported in 0.00088% of alleles in individuals of European (Non-Finnish) descent in gnomAD. At this time, the clinical significance of this variant is uncertain due to the absence of conclusive functional and genetic evidence.